The following is an entry in ClinVar:

NM_001371904.1(APOA5):c.8G>A (p.Ser3Asn)

Genes: APOA5 (apolipoprotein A5; minus strand), LOC108491825 (enhancer-blocking element 11-1-2 overlapping APOA5; plus strand). Cytogenetic location: 11q23.3.
Variant type: single nucleotide variant.
Coding change: c.8G>A on transcript NM_001371904.1 (MANE Select); coding-DNA position 8, G replaced by A.
Protein change: p.Ser3Asn; replaces serine 3 with asparagine.
Molecular consequence: missense variant.
Genome position (GRCh38, 1-based): chr11:116,791,853, C>T on the plus strand (G>A on the coding strand, the complement: APOA5 is on the minus strand). VCF-style: chr11-116791853-C-T. GRCh37 (hg19) VCF-style: chr11-116662569-C-T.
Other names: p.Ser3Asn; c.8G>A, p.Ser3Asn (NM_001166598.2, NM_052968.5); short protein forms S3N.
Identifiers: ClinVar variation 2683167 (VCV002683167.1), dbSNP rs1183005271, ClinGen allele CA382741522.
Genomic context (GRCh38, chr11:116,791,853, plus strand): 5'-GTCAGGGTCGGAGACCCACCTGAAAGAAGAGCCAGAGCCCAGGTGAGCACGGCAGCCATG[C>T]TTGCCATTACCTGCTCTGAGAAGACAGGTGGAGGGAGGCCTGGTTAGGGGAAGAAGGAGA-3'
Protein context (NP_001358833.1, residues 1-13): MA[Ser3Asn]MAAVLTWALA

ClinVar aggregate classification (germline): Uncertain significance (1 of 4 stars; one submission).

Allele frequency attached by ClinVar (database versions not stated): gnomAD exomes below 0.00001; TOPMed below 0.00001; gnomAD 0.00001.

Submission:

Mayo Clinic Laboratories, Mayo Clinic
Classification: Uncertain significance. Last evaluated: 2023-05-17. Review status: criteria provided, single submitter. Criteria: ACMG Guidelines, 2015. Collection method: clinical testing. Allele origin: germline. Observed: 1 variant allele.
Comment: BP4, PM2_supporting